The following is an entry in ClinVar:

NM_015450.3(POT1):c.682C>T (p.His228Tyr)

Gene: POT1 (protection of telomeres 1; minus strand). Cytogenetic location: 7q31.33.
Variant type: single nucleotide variant.
Coding change: c.682C>T on transcript NM_015450.3 (MANE Select); coding-DNA position 682, C replaced by T.
Protein change: p.His228Tyr; replaces histidine 228 with tyrosine.
Molecular consequence: missense variant. On other transcripts: non-coding transcript variant (3).
Genome position (GRCh38, 1-based): chr7:124,858,977, G>A on the plus strand (C>T on the coding strand, the complement: POT1 is on the minus strand). VCF-style: chr7-124858977-G-A. GRCh37 (hg19) VCF-style: chr7-124499031-G-A.
Other names: c.289C>T, p.His97Tyr (NM_001042594.2); short protein forms H97Y, H228Y.
Identifiers: ClinVar variation 958931 (VCV000958931.11), dbSNP rs1795515109, ClinGen allele CA369056057.

ClinVar aggregate classification (germline): Uncertain significance. Review status: criteria provided, multiple submitters, no conflicts (2 of 4 stars). 2 submissions from 2 submitters: Uncertain significance (2). Last evaluated 2025-06-26.

Conditions:
Hereditary cancer-predisposing syndrome. Also called: Tumor predisposition; Hereditary Cancer Syndrome; Neoplastic Syndromes, Hereditary; Hereditary neoplastic syndrome. Identifiers: Orphanet 140162, MedGen C0027672, MeSH D009386, MONDO:0015356.
Tumor predisposition syndrome 3 (TPDS3). Also called: Melanoma, cutaneous malignant, susceptibility to, 10; Glioma susceptibility 9; LONG TELOMERE SYNDROME, POT1-RELATED; POT1 Tumor Predisposition. Identifiers: Orphanet 618, MedGen C4014476, MONDO:0014368, OMIM 615848.

Allele frequency attached by ClinVar (database versions not stated): gnomAD exomes below 0.00001.
gnomAD v4.1: 1 of 1,608,448 alleles (0.000062%); highest among the groups gnomAD compares: Non-Finnish European, 0.000085%; no homozygotes.

Submissions (2):

Ambry Genetics
Classification: Uncertain significance for Hereditary cancer-predisposing syndrome. Last evaluated: 2025-06-26. Review status: criteria provided, single submitter. Criteria: Ambry Variant Classification Scheme 2023. Collection method: clinical testing. Allele origin: germline.
Comment: The p.H228Y variant (also known as c.682C>T), located in coding exon 5 of the POT1 gene, results from a C to T substitution at nucleotide position 682. The histidine at codon 228 is replaced by tyrosine, an amino acid with similar properties. This amino acid position is conserved. In addition, this alteration is predicted to be tolerated by in silico analysis. Based on the available evidence, the clinical significance of this variant remains unclear.

Labcorp Genetics (formerly Invitae), Labcorp
Classification: Uncertain significance for Tumor predisposition syndrome 3. Last evaluated: 2019-10-30. Review status: criteria provided, single submitter. Criteria: Invitae Variant Classification Sherloc (09022015). Collection method: clinical testing. Allele origin: germline.
Comment: This sequence change replaces histidine with tyrosine at codon 228 of the POT1 protein (p.His228Tyr). The histidine residue is weakly conserved and there is a moderate physicochemical difference between histidine and tyrosine. This variant is not present in population databases (ExAC no frequency). This variant has not been reported in the literature in individuals with POT1-related conditions. Algorithms developed to predict the effect of missense changes on protein structure and function are either unavailable or do not agree on the potential impact of this missense change (SIFT: "Deleterious"; PolyPhen-2: "Benign"; Align-GVGD: "Class C0"). In summary, the available evidence is currently insufficient to determine the role of this variant in disease. Therefore, it has been classified as a Variant of Uncertain Significance.